The following is an entry in ClinVar:

NM_001498.4(GCLC):c.487A>C (p.Asn163His)

Gene: GCLC (glutamate-cysteine ligase catalytic subunit; minus strand). Cytogenetic location: 6p12.1.
Variant type: single nucleotide variant.
Coding change: c.487A>C on transcript NM_001498.4 (MANE Select); coding-DNA position 487, A replaced by C.
Protein change: p.Asn163His; replaces asparagine 163 with histidine.
Molecular consequence: missense variant. On other transcripts: intron variant (1).
Genome position (GRCh38, 1-based): chr6:53,516,182, T>G on the plus strand (A>C on the coding strand, the complement: GCLC is on the minus strand). VCF-style: chr6-53516182-T-G. GRCh37 (hg19) VCF-style: chr6-53380980-T-G.
Other names: p.Asn163His; c.447-1685A>C (NM_001197115.2); short protein forms N163H.
Identifiers: ClinVar variation 3379686 (VCV003379686.1).

ClinVar aggregate classification (germline): Uncertain significance (1 of 4 stars; one submission).

Submission:

Mayo Clinic Laboratories, Mayo Clinic
Classification: Uncertain significance. Last evaluated: 2024-07-18. Review status: criteria provided, single submitter. Criteria: ACMG Guidelines, 2015. Collection method: clinical testing. Allele origin: germline. Observed: 1 variant allele.
Comment: BP4, PM2